The following is an entry in ClinVar:

ClinVar aggregate classification (germline): Uncertain significance. Review status: criteria provided, multiple submitters, no conflicts (2 of 4 stars). 2 submissions from 2 submitters: Uncertain significance (2). Last evaluated 2026-03-01.

Conditions:
Multiple acyl-CoA dehydrogenase deficiency (MADD). Also called: Glutaric aciduria, type 2; ETHYLMALONIC-ADIPICACIDURIA; GA II; Glutaric acidemia type II; GA 2; Glutaric Acidemia type 2. Identifiers: Orphanet 26791, MedGen C0268596, MONDO:0009282, OMIM 231680.

Allele frequency attached by ClinVar (database versions not stated): gnomAD exomes 0.00001.

Submissions (2):

CeGaT Center for Human Genetics Tuebingen
Classification: Uncertain significance. Last evaluated: 2026-03-01. Review status: criteria provided, single submitter. Criteria: CeGaT Center For Human Genetics Tuebingen Variant Classification Criteria Version 2. Collection method: clinical testing. Allele origin: germline. Affected: yes. Observed: 1 variant allele.
Comment: ETFA: PM2

Centre for Mendelian Genomics, University Medical Centre Ljubljana
Classification: Uncertain significance for Multiple acyl-CoA dehydrogenase deficiency. Last evaluated: 2019-03-13. Review status: criteria provided, single submitter. Criteria: ACMG Guidelines, 2015. Collection method: clinical testing. Allele origin: unknown. Affected: yes.
Comment: This variant was classified as: Uncertain significance. The available evidence on this variant's pathogenicity is insufficient or conflicting. The following ACMG criteria were applied in classifying this variant: PM2,PP3.

NM_000126.4(ETFA):c.379C>T (p.Leu127Phe)

Gene: ETFA (electron transfer flavoprotein subunit alpha; minus strand). Cytogenetic location: 15q24.2.
Variant type: single nucleotide variant.
Coding change: c.379C>T on transcript NM_000126.4 (MANE Select); coding-DNA position 379, C replaced by T.
Protein change: p.Leu127Phe; replaces leucine 127 with phenylalanine.
Molecular consequence: missense variant.
Genome position (GRCh38, 1-based): chr15:76,287,918, G>A on the plus strand (C>T on the coding strand, the complement: ETFA is on the minus strand). VCF-style: chr15-76287918-G-A. GRCh37 (hg19) VCF-style: chr15-76580259-G-A.
Other names: c.232C>T, p.Leu78Phe (NM_001127716.2); short protein forms L127F, L78F.
Identifiers: ClinVar variation 931509 (VCV000931509.7), dbSNP rs910012804, ClinGen allele CA273698064.
Genomic context (GRCh38, chr15:76,287,918, plus strand): 5'-TTCTCACAAATGTGTCAGGTGACTTGATTGCAATGATGTCAGAAATCGGGGCAACCTCAA[G>A]TTTGGCTGCTACTCTGGGCAAAAGGTTCTAAAAGCAAAATAAGCAGTGAGTTAACACACA-3'
Protein context (NP_000117.1, residues 117-137): KNLLPRVAAK[Leu127Phe]EVAPISDIIA